The following is an entry in ClinVar:

ClinVar aggregate classification (germline): Uncertain significance (1 of 4 stars; one submission).

Conditions:
Autoimmune lymphoproliferative syndrome type 1. Also called: AUTOIMMUNE LYMPHOPROLIFERATIVE SYNDROME, TYPE I, AUTOSOMAL DOMINANT. Identifiers: Orphanet 3261, MedGen C2717884, MONDO:0011158, OMIM 601859.

Submission:

Labcorp Genetics (formerly Invitae), Labcorp
Classification: Uncertain significance for Autoimmune lymphoproliferative syndrome. Last evaluated: 2023-07-13. Review status: criteria provided, single submitter. Criteria: Invitae Variant Classification Sherloc (09022015). Collection method: clinical testing. Allele origin: germline.
Comment: In summary, the available evidence is currently insufficient to determine the role of this variant in disease. Therefore, it has been classified as a Variant of Uncertain Significance. Algorithms developed to predict the effect of sequence changes on RNA splicing suggest that this variant may disrupt the consensus splice site. This variant has not been reported in the literature in individuals affected with FAS-related conditions. This variant is not present in population databases (gnomAD no frequency). This sequence change falls in intron 3 of the FAS gene. It does not directly change the encoded amino acid sequence of the FAS protein.

NM_000043.6(FAS):c.335-4C>G

Gene: FAS (Fas cell surface death receptor; plus strand). Cytogenetic location: 10q23.31.
Variant type: single nucleotide variant.
Coding change: c.335-4C>G on transcript NM_000043.6 (MANE Select); 4 bases into the intron before coding-DNA position 335, C replaced by G.
Molecular consequence: intron variant.
Genome position (GRCh38, 1-based): chr10:89,008,885, C>G. VCF-style: chr10-89008885-C-G. GRCh37 (hg19) VCF-style: chr10-90768642-C-G.
Other names: c.335-4C>G (NM_152872.4, NM_001320619.2, NM_152871.4); c.380-4C>G (NM_001410956.1).
Identifiers: ClinVar variation 2795580 (VCV002795580.3), dbSNP rs2495121382, ClinGen allele CA2739275908.